The following is an entry in ClinVar:

NM_000104.4(CYP1B1):c.1556A>G (p.Asn519Ser)

Gene: CYP1B1 (cytochrome P450 family 1 subfamily B member 1; minus strand). Cytogenetic location: 2p22.2.
Variant type: single nucleotide variant.
Coding change: c.1556A>G on transcript NM_000104.4 (MANE Select); coding-DNA position 1556, A replaced by G.
Protein change: p.Asn519Ser; replaces asparagine 519 with serine.
Molecular consequence: missense variant.
Genome position (GRCh38, 1-based): chr2:38,070,798, T>C on the plus strand (A>G on the coding strand, the complement: CYP1B1 is on the minus strand). VCF-style: chr2-38070798-T-C. GRCh37 (hg19) VCF-style: chr2-38297941-T-C.
Other names: short protein forms N519S.
Identifiers: ClinVar variation 2734161 (VCV002734161.4), dbSNP rs750220338, ClinGen allele CA1619758.
Genomic context (GRCh38, chr2:38,070,798, plus strand): 5'-TTGGCTTGTAAATTTTGGACAGCACTATCAAGGAGCTCCATGGACTCTCTGAGAGTGACA[T>C]TGACTTTAAATGACTTGGGTTTAATGGTTAGACCATAACTGAAATTCATTTTCGCAGGCT-3'
Protein context (NP_000095.2, residues 509-529): LTIKPKSFKV[Asn519Ser]VTLRESMELL

ClinVar aggregate classification (germline): Conflicting classifications of pathogenicity. Review status: criteria provided, conflicting classifications (1 of 4 stars). 2 submissions from 2 submitters: Uncertain significance (1); Likely benign (1). Last evaluated 2025-11-26.

Conditions:
Congenital glaucoma. Identifiers: MedGen C0020302, MONDO:0020366.

Allele frequency attached by ClinVar (database versions not stated): ExAC 0.00021.
gnomAD v4.1: 103 of 1,614,136 alleles (0.0064%); highest among the groups gnomAD compares: South Asian, 0.1%; 1 homozygote.

Submissions (2):

Labcorp Genetics (formerly Invitae), Labcorp
Classification: Likely benign for Congenital glaucoma. Last evaluated: 2025-11-26. Review status: criteria provided, single submitter. Criteria: Invitae Variant Classification Sherloc (09022015). Collection method: clinical testing. Allele origin: germline.

Women's Health and Genetics/Laboratory Corporation of America, LabCorp
Classification: Uncertain significance. Last evaluated: 2024-07-30. Review status: criteria provided, single submitter. Criteria: LabCorp Variant Classification Summary - May 2015. Collection method: clinical testing. Allele origin: germline.
Comment: Variant summary: CYP1B1 c.1556A>G (p.Asn519Ser) results in a conservative amino acid change in the encoded protein sequence. Five of five in-silico tools predict a benign effect of the variant on protein function. The variant allele was found at a frequency of 0.00015 in 251462 control chromosomes, predominantly at a frequency of 0.0012 within the South Asian subpopulation in the gnomAD database, including 1 homozygote. This frequency is not significantly higher than estimated for a pathogenic variant in CYP1B1 causing Primary Congenital Glaucoma (0.00015 vs 0.0043), allowing no conclusion about variant significance. c.1556A>G has been reported in the literature in individuals affected with Primary Congenital Glaucoma (Kaur_2011, de Melo_2015). These reports do not provide unequivocal conclusions about association of the variant with Primary Congenital Glaucoma. To our knowledge, no experimental evidence demonstrating an impact on protein function has been reported. The following publications have been ascertained in the context of this evaluation (PMID: 25978063, 21572728). ClinVar contains an entry for this variant (Variation ID: 2734161). Based on the evidence outlined above, the variant was classified as uncertain significance.

Literature cited by the submitters: PubMed 25978063 (cited by Women's Health and Genetics/Laboratory Corporation of America, LabCorp); PubMed 21572728 (cited by Women's Health and Genetics/Laboratory Corporation of America, LabCorp).